The following is an entry in ClinVar:

ClinVar aggregate classification (germline): Uncertain significance (1 of 4 stars; one submission).

Conditions:
Immunodeficiency, common variable, 7. Identifiers: Orphanet 1572, Orphanet 696894, MedGen C3542922, MONDO:0013862, OMIM 614699.

Submission:

Labcorp Genetics (formerly Invitae), Labcorp
Classification: Uncertain significance for Immunodeficiency, common variable, 7. Last evaluated: 2023-08-17. Review status: criteria provided, single submitter. Criteria: Invitae Variant Classification Sherloc (09022015). Collection method: clinical testing. Allele origin: germline.
Comment: This sequence change replaces isoleucine, which is neutral and non-polar, with threonine, which is neutral and polar, at codon 451 of the CR2 protein (p.Ile451Thr). This variant is present in population databases (no rsID available, gnomAD 0.003%). This variant has not been reported in the literature in individuals affected with CR2-related conditions. ClinVar contains an entry for this variant (Variation ID: 1493630). An algorithm developed to predict the effect of missense changes on protein structure and function (PolyPhen-2) suggests that this variant is likely to be disruptive. In summary, the available evidence is currently insufficient to determine the role of this variant in disease. Therefore, it has been classified as a Variant of Uncertain Significance.

NM_001006658.3(CR2):c.1352T>C (p.Ile451Thr)

Gene: CR2 (complement C3d receptor 2; plus strand). Cytogenetic location: 1q32.2.
Variant type: single nucleotide variant.
Coding change: c.1352T>C on transcript NM_001006658.3 (MANE Select); coding-DNA position 1352, T replaced by C.
Protein change: p.Ile451Thr; replaces isoleucine 451 with threonine.
Molecular consequence: missense variant.
Genome position (GRCh38, 1-based): chr1:207,470,866, T>C. VCF-style: chr1-207470866-T-C. GRCh37 (hg19) VCF-style: chr1-207644211-T-C.
Other names: c.1352T>C, p.Ile451Thr (NM_001877.5); short protein forms I451T.
Identifiers: ClinVar variation 1493630 (VCV001493630.8), dbSNP rs1303945667, ClinGen allele CA344530501.
Genomic context (GRCh38, chr1:207,470,866, plus strand): 5'-CTGGAACATCTATAAAATATAGCTGTAACCCTGGCTATGTGCTGGTGGGAGAAGAATCCA[T>C]ACAGTGTACCTCTGAGGGGGTGTGGACACCCCCTGTACCCCAATGCAAAGGTGCCAGGCC-3'
Protein context (NP_001006659.1, residues 441-461): PGYVLVGEES[Ile451Thr]QCTSEGVWTP